The following is an entry in ClinVar:

NM_004035.7(ACOX1):c.1409T>C (p.Val470Ala)

Gene: ACOX1 (acyl-CoA oxidase 1; minus strand). Cytogenetic location: 17q25.1.
Variant type: single nucleotide variant.
Coding change: c.1409T>C on transcript NM_004035.7 (MANE Select); coding-DNA position 1409, T replaced by C.
Protein change: p.Val470Ala; replaces valine 470 with alanine.
Molecular consequence: missense variant.
Genome position (GRCh38, 1-based): chr17:75,949,787, A>G on the plus strand (T>C on the coding strand, the complement: ACOX1 is on the minus strand). VCF-style: chr17-75949787-A-G. GRCh37 (hg19) VCF-style: chr17-73945868-A-G.
Other names: c.1295T>C, p.Val432Ala (NM_001185039.2); c.1409T>C, p.Val470Ala (NM_007292.6); short protein forms V470A, V432A.
Identifiers: ClinVar variation 1939911 (VCV001939911.5), dbSNP rs1300299670, ClinGen allele CA401061102.

ClinVar aggregate classification (germline): Uncertain significance (1 of 4 stars; one submission).

Conditions:
Acyl-CoA oxidase deficiency. Also called: Pseudoneonatal adrenoleukodystrophy; STRAIGHT-CHAIN ACYL-CoA OXIDASE DEFICIENCY; Peroxisomal acyl-CoA oxidase deficiency. Identifiers: Orphanet 2971, MedGen C1849678, MONDO:0009919, OMIM 264470. Disease mechanism: loss of function.

Allele frequency attached by ClinVar (database versions not stated): gnomAD 0.00002; TOPMed 0.00002.
gnomAD v4.1: 4 of 1,614,060 alleles (0.00025%); highest among the groups gnomAD compares: African/African-American, 0.004%; no homozygotes.

Submission:

Labcorp Genetics (formerly Invitae), Labcorp
Classification: Uncertain significance for Acyl-CoA oxidase deficiency. Last evaluated: 2024-03-02. Review status: criteria provided, single submitter. Criteria: Invitae Variant Classification Sherloc (09022015). Collection method: clinical testing. Allele origin: germline.
Comment: This sequence change replaces valine, which is neutral and non-polar, with alanine, which is neutral and non-polar, at codon 470 of the ACOX1 protein (p.Val470Ala). This variant is present in population databases (no rsID available, gnomAD 0.0009%). This variant has not been reported in the literature in individuals affected with ACOX1-related conditions. ClinVar contains an entry for this variant (Variation ID: 1939911). Advanced modeling of protein sequence and biophysical properties (such as structural, functional, and spatial information, amino acid conservation, physicochemical variation, residue mobility, and thermodynamic stability) performed at Invitae indicates that this missense variant is not expected to disrupt ACOX1 protein function with a negative predictive value of 80%. In summary, the available evidence is currently insufficient to determine the role of this variant in disease. Therefore, it has been classified as a Variant of Uncertain Significance.